The following is an entry in ClinVar:

ClinVar aggregate classification (germline): Likely pathogenic (1 of 4 stars; one submission).

Submission:

Genetics Laboratory, UDIAT-Centre Diagnòstic, Hospital Universitari Parc Tauli
Classification: Likely pathogenic. Last evaluated: 2021-04-26. Review status: criteria provided, single submitter. Criteria: Parc Tauli Hospital Assertion Criteria 2021. Collection method: clinical testing. Allele origin: unknown. Inheritance: Autosomal dominant inheritance. Affected: yes. Observed: 1 heterozygote.
Comment: PVS1_very strong;PM2_supporting

NM_001130438.3(SPTAN1):c.5832+1G>C

Gene: SPTAN1 (spectrin alpha, non-erythrocytic 1; plus strand). Cytogenetic location: 9q34.11.
Variant type: single nucleotide variant.
Coding change: c.5832+1G>C on transcript NM_001130438.3 (MANE Select); the canonical splice donor site of the intron after coding-DNA position 5832, G replaced by C.
Molecular consequence: splice donor variant.
Genome position (GRCh38, 1-based): chr9:128,621,257, G>C. VCF-style: chr9-128621257-G-C. GRCh37 (hg19) VCF-style: chr9-131383536-G-C.
Other names: c.5868+1G>C (NM_001375318.1, NM_001375312.2); c.5832+1G>C (NM_001375311.2, NM_001375310.1, NM_001363759.2 and 1 more transcripts); c.5772+1G>C (NM_001375314.2, NM_001363765.2); c.5817+1G>C (NM_003127.4); c.5757+1G>C (NM_001195532.2).
Identifiers: ClinVar variation 1098374 (VCV001098374.2), dbSNP rs2131851851, ClinGen allele CA375080285.